The following is an entry in ClinVar:

ClinVar aggregate classification (germline): Uncertain significance (1 of 4 stars; one submission).

Allele frequency attached by ClinVar (database versions not stated): gnomAD exomes below 0.00001; ExAC 0.00001.

Submission:

Labcorp Genetics (formerly Invitae), Labcorp
Classification: Uncertain significance. Last evaluated: 2024-12-02. Review status: criteria provided, single submitter. Criteria: Invitae Variant Classification Sherloc (09022015). Collection method: clinical testing. Allele origin: germline.
Comment: This sequence change replaces leucine, which is neutral and non-polar, with phenylalanine, which is neutral and non-polar, at codon 230 of the KCNJ1 protein (p.Leu230Phe). This variant is present in population databases (rs776835653, gnomAD 0.006%). This variant has not been reported in the literature in individuals affected with KCNJ1-related conditions. ClinVar contains an entry for this variant (Variation ID: 2007672). An algorithm developed to predict the effect of missense changes on protein structure and function (PolyPhen-2) suggests that this variant is likely to be disruptive. In summary, the available evidence is currently insufficient to determine the role of this variant in disease. Therefore, it has been classified as a Variant of Uncertain Significance.

NM_153766.3(KCNJ1):c.631C>T (p.Leu211Phe)

Gene: KCNJ1 (potassium inwardly rectifying channel subfamily J member 1; minus strand). Cytogenetic location: 11q24.3.
Variant type: single nucleotide variant.
Coding change: c.631C>T on transcript NM_153766.3 (MANE Select); coding-DNA position 631, C replaced by T.
Protein change: p.Leu211Phe; replaces leucine 211 with phenylalanine.
Molecular consequence: missense variant.
Genome position (GRCh38, 1-based): chr11:128,839,613, G>A on the plus strand (C>T on the coding strand, the complement: KCNJ1 is on the minus strand). VCF-style: chr11-128839613-G-A. GRCh37 (hg19) VCF-style: chr11-128709508-G-A.
Other names: c.688C>T, p.Leu230Phe (NM_000220.6); c.631C>T, p.Leu211Phe (NM_153764.3, NM_153767.4); c.682C>T, p.Leu228Phe (NM_153765.3); short protein forms L211F, L228F, L230F.
Identifiers: ClinVar variation 2007672 (VCV002007672.4), dbSNP rs776835653, ClinGen allele CA6357482.